The following is an entry in ClinVar:

NM_004168.4(SDHA):c.1361C>A (p.Ala454Glu)

Gene: SDHA (succinate dehydrogenase complex flavoprotein subunit A; plus strand). Cytogenetic location: 5p15.33.
Variant type: single nucleotide variant.
Coding change: c.1361C>A on transcript NM_004168.4 (MANE Select); coding-DNA position 1361, C replaced by A.
Protein change: p.Ala454Glu; replaces alanine 454 with glutamic acid.
Molecular consequence: missense variant.
Genome position (GRCh38, 1-based): chr5:236,528, C>A. VCF-style: chr5-236528-C-A. GRCh37 (hg19) VCF-style: chr5-236643-C-A.
Other names: c.1217C>A, p.Ala406Glu (NM_001294332.2); c.1361C>A, p.Ala454Glu (NM_001330758.2); short protein forms A454E, A406E.
Identifiers: ClinVar variation 472325 (VCV000472325.12), dbSNP rs1553999766, ClinGen allele CA359014000.
Genomic context (GRCh38, chr5:236,528, plus strand): 5'-GCCTGTACGCCTGTGGGGAGGCCGCCTGTGCCTCGGTACATGGTGCCAACCGCCTCGGGG[C>A]AAACTCGCTCTTGGACCTGGTTGTCTTTGGTCGGGCATGTGCCCTGAGCATCGAAGAGTC-3'
Protein context (NP_004159.2, residues 444-464): ASVHGANRLG[Ala454Glu]NSLLDLVVFG

ClinVar aggregate classification (germline): Pathogenic/Likely pathogenic. Review status: criteria provided, multiple submitters, no conflicts (2 of 4 stars). 3 submissions from 3 submitters: Pathogenic (2); Likely pathogenic (1). Last evaluated 2026-03-25.

Conditions:
Mitochondrial complex II deficiency, nuclear type 1. Also called: SUCCINATE CoQ REDUCTASE DEFICIENCY. Identifiers: Orphanet 3208, MedGen C5700310, MONDO:0100294, OMIM 252011.
Pheochromocytoma/paraganglioma syndrome 5. Also called: Paragangliomas 5; SDHA-Related Hereditary Paraganglioma-Pheochromocytoma Syndrome. Identifiers: Orphanet 29072, MedGen C3279992, MONDO:0013602, OMIM 614165.
Hereditary cancer-predisposing syndrome. Also called: Neoplastic Syndromes, Hereditary; Hereditary Cancer Syndrome; Hereditary neoplastic syndrome; Tumor predisposition. Identifiers: Orphanet 140162, MedGen C0027672, MeSH D009386, MONDO:0015356.

Allele frequency attached by ClinVar (database versions not stated): gnomAD exomes below 0.00001.
gnomAD v4.1: 1 of 1,614,038 alleles (0.000062%); highest among the groups gnomAD compares: East Asian, 0.0022%; no homozygotes.

Submissions (3):

Ambry Genetics
Classification: Pathogenic for Hereditary cancer-predisposing syndrome. Last evaluated: 2026-03-25. Review status: criteria provided, single submitter. Criteria: Ambry Variant Classification Scheme 2023. Collection method: clinical testing. Allele origin: germline.
Comment: The p.A454E pathogenic mutation (also known as c.1361C>A), located in coding exon 10 of the SDHA gene, results from a C to A substitution at nucleotide position 1361. The alanine at codon 454 is replaced by glutamic acid, an amino acid with dissimilar properties. This variant was reported in individuals with features consistent with SDHA-related hereditary phenochromocytoma-paraganglioma (Bausch B et al. JAMA Oncol, 2017 Sep;3:1204-1212; Kaplan AI et al. Endocr Relat Cancer, 2024 Oct;31; external communication). In multiple assays testing SDHA function, this variant showed functionally abnormal results (Bannon AE et al. Clin Cancer Res. 2017 Nov;23(21):6733-6743; Kent JD et al. Clin Cancer Res. 2024 Dec;30(23):5399-5412). This amino acid position is highly conserved in available vertebrate species. In addition, this alteration is predicted to be deleterious by in silico analysis. Based on the supporting evidence, this variant is interpreted as a disease-causing mutation.

Myriad Genetics, Inc.
Classification: Likely pathogenic for Pheochromocytoma/paraganglioma syndrome 5. Last evaluated: 2026-03-11. Review status: criteria provided, single submitter. Criteria: Myriad Autosomal Dominant, Autosomal Recessive and X-Linked Classification Criteria (2023). Collection method: clinical testing. Allele origin: unknown.
Comment: This variant is considered likely pathogenic. This variant has been reported in multiple individuals with clinical features of gene-specific disease [PMID: 28384794]. This variant is expected to disrupt protein structure [Myriad internal data]. Functional studies indicate this variant impacts protein function [PMID: 39321216].

Labcorp Genetics (formerly Invitae), Labcorp
Classification: Pathogenic for Pheochromocytoma/paraganglioma syndrome 5; Mitochondrial complex II deficiency, nuclear type 1. Last evaluated: 2026-01-11. Review status: criteria provided, single submitter. Criteria: Invitae Variant Classification Sherloc (09022015). Collection method: clinical testing. Allele origin: germline.
Comment: This sequence change replaces alanine, which is neutral and non-polar, with glutamic acid, which is acidic and polar, at codon 454 of the SDHA protein (p.Ala454Glu). This variant is not present in population databases (gnomAD no frequency). This missense change has been observed in individuals with paraganglioma and/or pheochromocytoma (PMID: 28384794; internal data). ClinVar contains an entry for this variant (Variation ID: 472325). Invitae Evidence Modeling of protein sequence and biophysical properties (such as structural, functional, and spatial information, amino acid conservation, physicochemical variation, residue mobility, and thermodynamic stability) has been performed for this missense variant. However, the output from this modeling did not meet the statistical confidence thresholds required to predict the impact of this variant on SDHA protein function. Experimental studies have shown that this missense change affects SDHA function (PMID: 28724664). For these reasons, this variant has been classified as Pathogenic.

Literature cited by the submitters: PubMed 23282968 (cited by Ambry Genetics); PubMed 28384794 (cited by 3 submitters); PubMed 28546994 (cited by Ambry Genetics); PubMed 28724664 (cited by Ambry Genetics and Labcorp Genetics (formerly Invitae), Labcorp); PubMed 33031286 (cited by Ambry Genetics); PubMed 39133175 (cited by Ambry Genetics); PubMed 39321216 (cited by Ambry Genetics and Myriad Genetics, Inc.).